The following is an entry in ClinVar:

NM_198904.4(GABRG2):c.556A>G (p.Ile186Val)

Gene: GABRG2 (gamma-aminobutyric acid type A receptor subunit gamma2; plus strand). Cytogenetic location: 5q34.
Variant type: single nucleotide variant.
Coding change: c.556A>G on transcript NM_198904.4 (MANE Select); coding-DNA position 556, A replaced by G.
Protein change: p.Ile186Val; replaces isoleucine 186 with valine.
Molecular consequence: missense variant.
Genome position (GRCh38, 1-based): chr5:162,101,242, A>G. VCF-style: chr5-162101242-A-G. GRCh37 (hg19) VCF-style: chr5-161528248-A-G.
Other names: c.556A>G, p.Ile186Val (NM_000816.3, NM_001375340.1, NM_001375341.1 and 4 more transcripts); c.547A>G, p.Ile183Val (NM_001375339.1); c.490A>G, p.Ile164Val (NM_001375345.1, NM_001375346.1); c.469A>G, p.Ile157Val (NM_001375347.1); c.136A>G, p.Ile46Val (NM_001375348.1, NM_001375350.1); c.271A>G, p.Ile91Val (NM_001375349.1); short protein forms I164V, I157V, I186V, I91V, I183V, I46V.
Identifiers: ClinVar variation 3852482 (VCV003852482.2).

ClinVar aggregate classification (germline): Uncertain significance. Review status: criteria provided, multiple submitters, no conflicts (2 of 4 stars). 2 submissions from 2 submitters: Uncertain significance (2). Last evaluated 2025-12-05.

Conditions:
EPILEPSY, CHILDHOOD ABSENCE, SUSCEPTIBILITY TO, 2 (ECA2). Identifiers: Orphanet 64280, MedGen C1843244, OMIM 607681.
Febrile seizures, familial, 8 (FEB8). Also called: CONVULSIONS, FAMILIAL FEBRILE, 8. Identifiers: Orphanet 36387, MedGen C1969810, MONDO:0011891, OMIM 607681.
Inborn genetic diseases. Identifiers: MedGen C0950123, MeSH D030342.

gnomAD v4.1: 3 of 1,604,310 alleles (0.00019%); highest among the groups gnomAD compares: Non-Finnish European, 0.000085%; no homozygotes.

Submissions (2):

Labcorp Genetics (formerly Invitae), Labcorp
Classification: Uncertain significance for Febrile seizures, familial, 8; EPILEPSY, CHILDHOOD ABSENCE, SUSCEPTIBILITY TO, 2. Last evaluated: 2025-12-05. Review status: criteria provided, single submitter. Criteria: Invitae Variant Classification Sherloc (09022015). Collection method: clinical testing. Allele origin: germline.
Comment: This sequence change replaces isoleucine, which is neutral and non-polar, with valine, which is neutral and non-polar, at codon 186 of the GABRG2 protein (p.Ile186Val). The frequency data for this variant in the population databases is considered unreliable, as metrics indicate poor data quality at this position in the gnomAD database. This variant has not been reported in the literature in individuals affected with GABRG2-related conditions. ClinVar contains an entry for this variant (Variation ID: 3852482). Invitae Evidence Modeling of protein sequence and biophysical properties (such as structural, functional, and spatial information, amino acid conservation, physicochemical variation, residue mobility, and thermodynamic stability) indicates that this missense variant is expected to disrupt GABRG2 protein function with a positive predictive value of 95%. In summary, the available evidence is currently insufficient to determine the role of this variant in disease. Therefore, it has been classified as a Variant of Uncertain Significance.

Ambry Genetics
Classification: Uncertain significance for Inborn genetic diseases. Last evaluated: 2024-12-30. Review status: criteria provided, single submitter. Criteria: Ambry Variant Classification Scheme 2023. Collection method: clinical testing. Allele origin: germline.